The following is an entry in ClinVar:

ClinVar aggregate classification (germline): Uncertain significance (1 of 4 stars; one submission).

Allele frequency attached by ClinVar (database versions not stated): gnomAD 0.00001.

Submission:

Ambry Genetics
Classification: Uncertain significance. Last evaluated: 2023-04-23. Review status: criteria provided, single submitter. Criteria: Ambry Variant Classification Scheme 2023. Collection method: clinical testing. Allele origin: germline.
Comment: The p.F29L variant (also known as c.87C>G), located in coding exon 1 of the BUB3 gene, results from a C to G substitution at nucleotide position 87. The phenylalanine at codon 29 is replaced by leucine, an amino acid with highly similar properties. This amino acid position is conserved. In addition, the in silico prediction for this alteration is inconclusive. Since supporting evidence is limited at this time, the clinical significance of this alteration remains unclear.

NM_004725.4(BUB3):c.87C>G (p.Phe29Leu)

Genes: BUB3 (BUB3 mitotic checkpoint protein; plus strand), LOC130004885 (ATAC-STARR-seq lymphoblastoid active region 4151; plus strand). Cytogenetic location: 10q26.13.
Variant type: single nucleotide variant.
Coding change: c.87C>G on transcript NM_004725.4 (MANE Select); coding-DNA position 87, C replaced by G.
Protein change: p.Phe29Leu; replaces phenylalanine 29 with leucine.
Molecular consequence: missense variant.
Genome position (GRCh38, 1-based): chr10:123,155,004, C>G. VCF-style: chr10-123155004-C-G. GRCh37 (hg19) VCF-style: chr10-124914520-C-G.
Other names: c.87C>G, p.Phe29Leu (NM_001007793.3); short protein forms F29L.
Identifiers: ClinVar variation 2563124 (VCV002563124.2), dbSNP rs1292128920, ClinGen allele CA378624915.
Genomic context (GRCh38, chr10:123,155,004, plus strand): 5'-GAACCAGCCACCCGAGGATGGCATCTCCTCCGTGAAGTTCAGCCCCAACACCTCCCAGTT[C>G]CTGCTTGTCTCCTCCTGGGACACGTCCGTGCGTCTCTACGATGTGCCGGCCAACTCCATG-3'
Protein context (NP_004716.1, residues 19-39): SVKFSPNTSQ[Phe29Leu]LLVSSWDTSV